The following is an entry in ClinVar:

ClinVar aggregate classification (germline): Uncertain significance (1 of 4 stars; one submission).

Conditions:
Cardiovascular phenotype. Identifiers: MedGen CN230736.

Submission:

Ambry Genetics
Classification: Uncertain significance for Cardiovascular phenotype. Last evaluated: 2025-10-11. Review status: criteria provided, single submitter. Criteria: Ambry Variant Classification Scheme 2023. Collection method: clinical testing. Allele origin: germline.
Comment: The p.P202T variant (also known as c.604C>A), located in coding exon 3 of the BAG3 gene, results from a C to A substitution at nucleotide position 604. The proline at codon 202 is replaced by threonine, an amino acid with highly similar properties. This amino acid position is conserved. In addition, this alteration is predicted to be deleterious by in silico analysis. Based on the available evidence, the clinical significance of this variant remains unclear.

NM_004281.4(BAG3):c.604C>A (p.Pro202Thr)

Gene: BAG3 (BAG cochaperone 3; plus strand). Cytogenetic location: 10q26.11.
Variant type: single nucleotide variant.
Coding change: c.604C>A on transcript NM_004281.4 (MANE Select); coding-DNA position 604, C replaced by A.
Protein change: p.Pro202Thr; replaces proline 202 with threonine.
Molecular consequence: missense variant.
Genome position (GRCh38, 1-based): chr10:119,672,351, C>A. VCF-style: chr10-119672351-C-A. GRCh37 (hg19) VCF-style: chr10-121431863-C-A.
Other names: short protein forms P202T.
Identifiers: ClinVar variation 4613741 (VCV004613741.1).